The following is an entry in ClinVar:

NM_032380.5(GFM2):c.146C>T (p.Pro49Leu)

Gene: GFM2 (GTP dependent ribosome recycling factor mitochondrial 2; minus strand). Cytogenetic location: 5q13.3.
Variant type: single nucleotide variant.
Coding change: c.146C>T on transcript NM_032380.5 (MANE Select); coding-DNA position 146, C replaced by T.
Protein change: p.Pro49Leu; replaces proline 49 with leucine.
Molecular consequence: missense variant. On other transcripts: non-coding transcript variant (1).
Genome position (GRCh38, 1-based): chr5:74,760,904, G>A on the plus strand (C>T on the coding strand, the complement: GFM2 is on the minus strand). VCF-style: chr5-74760904-G-A. GRCh37 (hg19) VCF-style: chr5-74056729-G-A.
Other names: c.242C>T, p.Pro81Leu (NM_001281302.2); c.146C>T, p.Pro49Leu (NM_170681.3, NM_170691.3); short protein forms P49L, P81L.
Identifiers: ClinVar variation 2804658 (VCV002804658.3), dbSNP rs1288480957, ClinGen allele CA360064132.

ClinVar aggregate classification (germline): Uncertain significance (1 of 4 stars; one submission).

Allele frequency attached by ClinVar (database versions not stated): gnomAD exomes below 0.00001; TOPMed below 0.00001.
gnomAD v4.1: 1 of 1,586,964 alleles (0.000063%); highest among the groups gnomAD compares: Non-Finnish European, 0.000086%; no homozygotes.

Submission:

Labcorp Genetics (formerly Invitae), Labcorp
Classification: Uncertain significance. Last evaluated: 2022-10-19. Review status: criteria provided, single submitter. Criteria: Invitae Variant Classification Sherloc (09022015). Collection method: clinical testing. Allele origin: germline.
Comment: This sequence change replaces proline, which is neutral and non-polar, with leucine, which is neutral and non-polar, at codon 49 of the GFM2 protein (p.Pro49Leu). This variant is not present in population databases (gnomAD no frequency). This variant has not been reported in the literature in individuals affected with GFM2-related conditions. Algorithms developed to predict the effect of missense changes on protein structure and function are either unavailable or do not agree on the potential impact of this missense change (SIFT: "Deleterious"; PolyPhen-2: "Benign"; Align-GVGD: "Class C0"). In summary, the available evidence is currently insufficient to determine the role of this variant in disease. Therefore, it has been classified as a Variant of Uncertain Significance.